The following is an entry in ClinVar:

NM_001572.5(IRF7):c.691C>T (p.Pro231Ser)

Gene: IRF7 (interferon regulatory factor 7; minus strand). Cytogenetic location: 11p15.5.
Variant type: single nucleotide variant.
Coding change: c.691C>T on transcript NM_001572.5 (MANE Select); coding-DNA position 691, C replaced by T.
Protein change: p.Pro231Ser; replaces proline 231 with serine.
Molecular consequence: missense variant. On other transcripts: intron variant (1).
Genome position (GRCh38, 1-based): chr11:614,026, G>A on the plus strand (C>T on the coding strand, the complement: IRF7 is on the minus strand). VCF-style: chr11-614026-G-A. GRCh37 (hg19) VCF-style: chr11-614026-G-A.
Other names: c.730C>T, p.Pro244Ser (NM_004031.4); c.679+148C>T (NM_004029.4); short protein forms P231S, P244S.
Identifiers: ClinVar variation 1052872 (VCV001052872.9), dbSNP rs191100374, ClinGen allele CA5783820.
Genomic context (GRCh38, chr11:614,026, plus strand): 5'-CGGGCTGGGGCCCGGGGCTGGGGGTCGTCTCTACTGCCCACCCGTACAGCTCCCCAGCAG[G>A]GAGCCCTGGGCCTGAGGAGGGGAGGACAGTGGGAACGGTGGTCCCCTCCTAATTCTCCAG-3'
Protein context (NP_001563.2, residues 221-241): TGACAGGPGL[Pro231Ser]AGELYGWAVE

ClinVar aggregate classification (germline): Uncertain significance (1 of 4 stars; one submission).

Conditions:
Immunodeficiency 39 (IMD39). Identifiers: Orphanet 574918, MedGen C4225358, MONDO:0014597, OMIM 616345.

Allele frequency attached by ClinVar (database versions not stated): ExAC 0.00001; gnomAD exomes 0.00001 and 0.00002; TOPMed 0.00002; gnomAD 0.00003 and 0.00005; 1000 Genomes Project 0.00020; 1000 Genomes Project 30x 0.00047.

Submission:

Labcorp Genetics (formerly Invitae), Labcorp
Classification: Uncertain significance for Immunodeficiency 39. Last evaluated: 2025-08-03. Review status: criteria provided, single submitter. Criteria: Invitae Variant Classification Sherloc (09022015). Collection method: clinical testing. Allele origin: germline.
Comment: This sequence change replaces proline, which is neutral and non-polar, with serine, which is neutral and polar, at codon 244 of the IRF7 protein (p.Pro244Ser). This variant is present in population databases (rs191100374, gnomAD 0.008%). This variant has not been reported in the literature in individuals affected with IRF7-related conditions. ClinVar contains an entry for this variant (Variation ID: 1052872). An algorithm developed to predict the effect of missense changes on protein structure and function outputs the following: PolyPhen-2: "Benign". The serine amino acid residue is found in multiple mammalian species, which suggests that this missense change does not adversely affect protein function. In summary, the available evidence is currently insufficient to determine the role of this variant in disease. Therefore, it has been classified as a Variant of Uncertain Significance.